The following is an entry in ClinVar:

NM_182972.3(IRF2BP2):c.647T>C (p.Val216Ala)

Genes: IRF2BP2 (interferon regulatory factor 2 binding protein 2; minus strand), LOC129932811 (ATAC-STARR-seq lymphoblastoid silent region 1976; plus strand). Cytogenetic location: 1q42.3.
Variant type: single nucleotide variant.
Coding change: c.647T>C on transcript NM_182972.3 (MANE Select); coding-DNA position 647, T replaced by C.
Protein change: p.Val216Ala; replaces valine 216 with alanine.
Molecular consequence: missense variant.
Genome position (GRCh38, 1-based): chr1:234,608,848, A>G on the plus strand (T>C on the coding strand, the complement: IRF2BP2 is on the minus strand). VCF-style: chr1-234608848-A-G. GRCh37 (hg19) VCF-style: chr1-234744594-A-G.
Other names: c.647T>C, p.Val216Ala (NM_001077397.1); short protein forms V216A.
Identifiers: ClinVar variation 2002240 (VCV002002240.4), dbSNP rs2528520899, ClinGen allele CA345309135.

ClinVar aggregate classification (germline): Uncertain significance (1 of 4 stars; one submission).

Submission:

Labcorp Genetics (formerly Invitae), Labcorp
Classification: Uncertain significance. Last evaluated: 2024-11-05. Review status: criteria provided, single submitter. Criteria: Invitae Variant Classification Sherloc (09022015). Collection method: clinical testing. Allele origin: germline.
Comment: This sequence change replaces valine, which is neutral and non-polar, with alanine, which is neutral and non-polar, at codon 216 of the IRF2BP2 protein (p.Val216Ala). This variant is not present in population databases (gnomAD no frequency). This variant has not been reported in the literature in individuals affected with IRF2BP2-related conditions. ClinVar contains an entry for this variant (Variation ID: 2002240). An algorithm developed to predict the effect of missense changes on protein structure and function outputs the following: PolyPhen-2: "Benign". The alanine amino acid residue is found in multiple mammalian species, which suggests that this missense change does not adversely affect protein function. In summary, the available evidence is currently insufficient to determine the role of this variant in disease. Therefore, it has been classified as a Variant of Uncertain Significance.